The following is an entry in ClinVar:

NM_001106.4(ACVR2B):c.*1891G>C

Gene: ACVR2B (activin A receptor type 2B; plus strand). Cytogenetic location: 3p22.2.
Variant type: single nucleotide variant.
Coding change: c.*1891G>C on transcript NM_001106.4 (MANE Select); 1891 bases downstream of the stop codon, G replaced by C.
Molecular consequence: 3 prime UTR variant.
Genome position (GRCh38, 1-based): chr3:38,485,223, G>C. VCF-style: chr3-38485223-G-C. GRCh37 (hg19) VCF-style: chr3-38526714-G-C.
Identifiers: ClinVar variation 344951 (VCV000344951.5), dbSNP rs541955988, ClinGen allele CA10618564.

ClinVar aggregate classification (germline): Benign (1 of 4 stars; one submission).

Conditions:
Heterotaxy, visceral, 4, autosomal (HTX4). Identifiers: Orphanet 450, MedGen C3151057, MONDO:0013403, OMIM 613751.

Allele frequency attached by ClinVar (database versions not stated): 1000 Genomes Project 0.00040; 1000 Genomes Project 30x 0.00047; TOPMed 0.00006.

Submission:

Illumina Laboratory Services, Illumina
Classification: Benign for Heterotaxy, visceral, 4, autosomal. Last evaluated: 2018-01-12. Review status: criteria provided, single submitter. Criteria: ICSL Variant Classification Criteria 13 December 2019. Collection method: clinical testing. Allele origin: germline.
Comment: This variant was observed in the ICSL laboratory as part of a predisposition screen in an ostensibly healthy population. It had not been previously curated by ICSL or reported in the Human Gene Mutation Database (HGMD: prior to June 1st, 2018), and was therefore a candidate for classification through an automated scoring system. Utilizing variant allele frequency, disease prevalence and penetrance estimates, and inheritance mode, an automated score was calculated to assess if this variant is too frequent to cause the disease. Based on the score and internal cut-off values, a variant classified as benign is not then subjected to further curation. The score for this variant resulted in a classification of benign for this disease.